The following is an entry in ClinVar:

ClinVar aggregate classification (germline): Uncertain significance (1 of 4 stars; one submission).

Conditions:
Arrhythmogenic right ventricular dysplasia 9 (ARVD9). Also called: Arrhythmogenic Right Ventricular Dysplasia/Cardiomyopathy 9; ARRHYTHMOGENIC RIGHT VENTRICULAR DYSPLASIA, FAMILIAL, 9. Identifiers: MedGen C1836906, MONDO:0012180, OMIM 609040.

Submission:

Labcorp Genetics (formerly Invitae), Labcorp
Classification: Uncertain significance for Arrhythmogenic right ventricular dysplasia 9. Last evaluated: 2024-07-19. Review status: criteria provided, single submitter. Criteria: Invitae Variant Classification Sherloc (09022015). Collection method: clinical testing. Allele origin: germline.
Comment: This sequence change falls in intron 12 of the PKP2 gene. It does not directly change the encoded amino acid sequence of the PKP2 protein. It affects a nucleotide within the consensus splice site. This variant is not present in population databases (gnomAD no frequency). This variant has not been reported in the literature in individuals affected with PKP2-related conditions. ClinVar contains an entry for this variant (Variation ID: 582147). Variants that disrupt the consensus splice site are a relatively common cause of aberrant splicing (PMID: 17576681, 9536098). Algorithms developed to predict the effect of sequence changes on RNA splicing suggest that this variant may disrupt the consensus splice site. In summary, the available evidence is currently insufficient to determine the role of this variant in disease. Therefore, it has been classified as a Variant of Uncertain Significance.

Literature cited by the submitters: PubMed 17576681; PubMed 9536098.

NM_001005242.3(PKP2):c.2358-3C>G

Gene: PKP2 (plakophilin 2; minus strand). Cytogenetic location: 12p11.21.
Variant type: single nucleotide variant.
Coding change: c.2358-3C>G on transcript NM_001005242.3 (MANE Select); 3 bases into the intron before coding-DNA position 2358, C replaced by G.
Molecular consequence: intron variant.
Genome position (GRCh38, 1-based): chr12:32,792,734, G>C on the plus strand (C>G on the coding strand, the complement: PKP2 is on the minus strand). VCF-style: chr12-32792734-G-C. GRCh37 (hg19) VCF-style: chr12-32945668-G-C.
Other names: c.2490-3C>G (NM_004572.4).
Identifiers: ClinVar variation 582147 (VCV000582147.9), dbSNP rs1565571096, ClinGen allele CA891843479.